The following is an entry in ClinVar:

ClinVar aggregate classification (germline): Benign (1 of 4 stars; one submission).

Conditions:
Familial cancer of breast. Also called: hereditary breast carcinoma; BREAST CANCER, FAMILIAL; Hereditary breast cancer. Identifiers: Orphanet 227535, MedGen C0346153, MONDO:0016419, OMIM 114480. Disease mechanism: loss of function.

Submission:

Myriad Genetics, Inc.
Classification: Benign for Familial cancer of breast. Last evaluated: 2025-05-29. Review status: criteria provided, single submitter. Criteria: Myriad Autosomal Dominant, Autosomal Recessive and X-Linked Classification Criteria (2023). Collection method: clinical testing. Allele origin: unknown.
Comment: This variant is considered benign. This variant is a silent/synonymous amino acid change and it is not expected to impact splicing.

NM_032043.3(BRIP1):c.2049G>C (p.Val683=)

Gene: BRIP1 (BRCA1 interacting DNA helicase 1; minus strand). Cytogenetic location: 17q23.2.
Variant type: single nucleotide variant.
Coding change: c.2049G>C on transcript NM_032043.3 (MANE Select); coding-DNA position 2049, G replaced by C.
Protein change: p.Val683=; no amino-acid change (valine 683 retained).
Molecular consequence: synonymous variant.
Genome position (GRCh38, 1-based): chr17:61,776,449, C>G on the plus strand (G>C on the coding strand, the complement: BRIP1 is on the minus strand). VCF-style: chr17-61776449-C-G. GRCh37 (hg19) VCF-style: chr17-59853810-C-G.
Identifiers: ClinVar variation 4071162 (VCV004071162.1).